The following is an entry in ClinVar:

NM_005422.4(TECTA):c.4812C>T (p.Asn1604=)

Genes: TBCEL-TECTA (TBCEL-TECTA readthrough; plus strand), TECTA (tectorin alpha; plus strand). Cytogenetic location: 11q23.3.
Variant type: single nucleotide variant.
Coding change: c.4812C>T on transcript NM_005422.4 (MANE Select); coding-DNA position 4812, C replaced by T.
Protein change: p.Asn1604=; no amino-acid change (asparagine 1604 retained).
Molecular consequence: synonymous variant.
Genome position (GRCh38, 1-based): chr11:121,160,257, C>T. VCF-style: chr11-121160257-C-T. GRCh37 (hg19) VCF-style: chr11-121030966-C-T.
Other names: c.5769C>T, p.Asn1923= (NM_001378761.1).
Identifiers: ClinVar variation 738087 (VCV000738087.13), dbSNP rs746681819, ClinGen allele CA6327571.

ClinVar aggregate classification (germline): Likely benign. Review status: criteria provided, multiple submitters, no conflicts (2 of 4 stars). 4 submissions from 4 submitters: Likely benign (3). 1 of the submissions does not count toward it. Last evaluated 2026-05-14.

Conditions:
TECTA-related disorder. Also called: TECTA-related condition.
Inborn genetic diseases. Identifiers: MedGen C0950123, MeSH D030342.

Allele frequency attached by ClinVar (database versions not stated): TOPMed 0.00002; gnomAD exomes 0.00006; ExAC 0.00007; gnomAD 0.00001.
gnomAD v4.1: 27 of 1,614,052 alleles (0.0017%); highest among the groups gnomAD compares: Admixed American, 0.03%; no homozygotes.

Submissions (4):

Ambry Genetics
Classification: Likely benign for Inborn genetic diseases. Last evaluated: 2026-05-14. Review status: criteria provided, single submitter. Criteria: Ambry Variant Classification Scheme 2023. Collection method: clinical testing. Allele origin: germline.

Labcorp Genetics (formerly Invitae), Labcorp
Classification: Likely benign. Last evaluated: 2026-01-01. Review status: criteria provided, single submitter. Criteria: Invitae Variant Classification Sherloc (09022015). Collection method: clinical testing. Allele origin: germline.

GeneDx
Classification: Likely benign. Last evaluated: 2018-10-17. Review status: criteria provided, single submitter. Criteria: GeneDx Variant Classification Process June 2021. Collection method: clinical testing. Allele origin: germline. Affected: yes.

PreventionGenetics, part of Exact Sciences
Classification: Likely benign for TECTA-related condition. Last evaluated: 2019-06-11. Review status: no assertion criteria provided. Collection method: clinical testing. Allele origin: germline. Not counted in ClinVar's aggregate classification.
Comment: This variant is classified as likely benign based on ACMG/AMP sequence variant interpretation guidelines (Richards et al. 2015 PMID: 25741868, with internal and published modifications).